The following is an entry in ClinVar:

NM_152703.5(SAMD9L):c.616G>A (p.Glu206Lys)

Gene: SAMD9L (sterile alpha motif domain containing 9 like; minus strand). Cytogenetic location: 7q21.2.
Variant type: single nucleotide variant.
Coding change: c.616G>A on transcript NM_152703.5 (MANE Select); coding-DNA position 616, G replaced by A.
Protein change: p.Glu206Lys; replaces glutamic acid 206 with lysine.
Molecular consequence: missense variant.
Genome position (GRCh38, 1-based): chr7:93,135,356, C>T on the plus strand (G>A on the coding strand, the complement: SAMD9L is on the minus strand). VCF-style: chr7-93135356-C-T. GRCh37 (hg19) VCF-style: chr7-92764669-C-T.
Other names: c.616G>A, p.Glu206Lys (NM_001303496.3, NM_001303497.3, NM_001303498.3 and 5 more transcripts); short protein forms E206K.
Identifiers: ClinVar variation 3792496 (VCV003792496.1).

ClinVar aggregate classification (germline): Uncertain significance (1 of 4 stars; one submission).

Conditions:
Inborn genetic diseases. Identifiers: MedGen C0950123, MeSH D030342.

Submission:

Ambry Genetics
Classification: Uncertain significance for Inborn genetic diseases. Last evaluated: 2025-03-05. Review status: criteria provided, single submitter. Criteria: Ambry Variant Classification Scheme 2023. Collection method: clinical testing. Allele origin: germline.
Comment: The p.E206K variant (also known as c.616G>A), located in coding exon 1 of the SAMD9L gene, results from a G to A substitution at nucleotide position 616. The glutamic acid at codon 206 is replaced by lysine, an amino acid with similar properties. This amino acid position is conserved. In addition, this alteration is predicted to be tolerated by in silico analysis. Based on the available evidence, the clinical significance of this variant remains unclear.